The following is an entry in ClinVar:

ClinVar aggregate classification (germline): Likely benign (1 of 4 stars; one submission).

gnomAD v4.1: 83 of 1,614,056 alleles (0.0051%); highest among the groups gnomAD compares: South Asian, 0.07%; 2 homozygotes.

Submission:

CeGaT Center for Human Genetics Tuebingen
Classification: Likely benign. Last evaluated: 2024-10-01. Review status: criteria provided, single submitter. Criteria: CeGaT Center For Human Genetics Tuebingen Variant Classification Criteria Version 2. Collection method: clinical testing. Allele origin: germline. Affected: yes. Observed: 1 variant allele.
Comment: PRDM4: PM2, BS2

NM_012406.4(PRDM4):c.506C>T (p.Ser169Phe)

Genes: PRDM4 (PR/SET domain 4; minus strand), PRDM4-AS1 (PRDM4 antisense RNA 1; plus strand). Cytogenetic location: 12q23.3.
Variant type: single nucleotide variant.
Coding change: c.506C>T on transcript NM_012406.4 (MANE Select); coding-DNA position 506, C replaced by T.
Protein change: p.Ser169Phe; replaces serine 169 with phenylalanine.
Molecular consequence: missense variant.
Genome position (GRCh38, 1-based): chr12:107,752,035, G>A on the plus strand (C>T on the coding strand, the complement: PRDM4 is on the minus strand). VCF-style: chr12-107752035-G-A. GRCh37 (hg19) VCF-style: chr12-108145812-G-A.
Other names: short protein forms S169F.
Identifiers: ClinVar variation 3389046 (VCV003389046.14).